The following is an entry in ClinVar:

NM_001377.3(DYNC2H1):c.7540+14G>T

Gene: DYNC2H1 (dynein cytoplasmic 2 heavy chain 1; plus strand). Cytogenetic location: 11q22.3.
Variant type: single nucleotide variant.
Coding change: c.7540+14G>T on transcript NM_001377.3 (MANE Select); 14 bases into the intron after coding-DNA position 7540, G replaced by T.
Molecular consequence: intron variant.
Genome position (GRCh38, 1-based): chr11:103,191,633, G>T. VCF-style: chr11-103191633-G-T. GRCh37 (hg19) VCF-style: chr11-103062362-G-T.
Other names: c.7540+14G>T (NM_001080463.2).
Identifiers: ClinVar variation 879924 (VCV000879924.12), dbSNP rs115273161, ClinGen allele CA6254255.

ClinVar aggregate classification (germline): Benign/Likely benign. Review status: criteria provided, multiple submitters, no conflicts (2 of 4 stars). 3 submissions from 3 submitters: Benign (1); Likely benign (2). Last evaluated 2026-01-28.

Conditions:
Asphyxiating thoracic dystrophy 3. Also called: SHORT-RIB THORACIC DYSPLASIA 3 WITH OR WITHOUT POLYDACTYLY; POLYDACTYLY WITH NEONATAL CHONDRODYSTROPHY, TYPE I; SHORT-RIB THORACIC DYSPLASIA 3/6 WITH POLYDACTYLY, DIGENIC; Short rib polydactyly syndrome 2B; Saldino-Noonan Syndrome. Identifiers: Orphanet 474, Orphanet 93269, Orphanet 93270, Orphanet 93271, MedGen C0036069, MONDO:0013127, OMIM 613091.
Jeune thoracic dystrophy. Also called: Jeune syndrome; Infantile thoracic dystrophy; Thoracic pelvic phalangeal dystrophy; Jeune's syndrome; Chondroectodermal dysplasia-like syndrome; Short-rib thoracic dysplasia. Identifiers: Orphanet 474, MedGen C0265275, MONDO:0018770.

Allele frequency attached by ClinVar (database versions not stated): TOPMed 0.00062; 1000 Genomes Project 0.00220; 1000 Genomes Project 30x 0.00265.
gnomAD v4.1: 299 of 1,548,626 alleles (0.019%); highest among the groups gnomAD compares: East Asian, 0.59%; 2 homozygotes.

Submissions (3):

Labcorp Genetics (formerly Invitae), Labcorp
Classification: Benign for Jeune thoracic dystrophy. Last evaluated: 2026-01-28. Review status: criteria provided, single submitter. Criteria: Invitae Variant Classification Sherloc (09022015). Collection method: clinical testing. Allele origin: germline.

Blueprint Genetics
Classification: Likely benign. Last evaluated: 2024-09-18. Review status: criteria provided, single submitter. Criteria: ACMG Guidelines, 2015. Collection method: clinical testing. Allele origin: germline.

Illumina Laboratory Services, Illumina
Classification: Likely benign for Asphyxiating thoracic dystrophy 3. Last evaluated: 2018-01-12. Review status: criteria provided, single submitter. Criteria: ICSL Variant Classification Criteria 13 December 2019. Collection method: clinical testing. Allele origin: germline.
Comment: This variant was observed in the ICSL laboratory as part of a predisposition screen in an ostensibly healthy population. It had not been previously curated by ICSL or reported in the Human Gene Mutation Database (HGMD: prior to June 1st, 2018), and was therefore a candidate for classification through an automated scoring system. Utilizing variant allele frequency, disease prevalence and penetrance estimates, and inheritance mode, an automated score was calculated to assess if this variant is too frequent to cause the disease. Based on the score and internal cut-off values, a variant classified as likely benign is not then subjected to further curation. The score for this variant resulted in a classification of likely benign for this disease.